The following is an entry in ClinVar:

ClinVar aggregate classification (germline): Uncertain significance (1 of 4 stars; one submission).

Conditions:
Arrhythmogenic cardiomyopathy with wooly hair and keratoderma. Also called: PALMOPLANTAR KERATODERMA WITH LEFT VENTRICULAR CARDIOMYOPATHY AND WOOLLY HAIR; Carvajal syndrome; Dilated cardiomyopathy with woolly hair and keratoderma; Arrhythmogenic cardiomyopathy with woolly hair and keratoderma. Identifiers: Orphanet 65282, MedGen C1854063, MONDO:0011581, OMIM 605676.
Arrhythmogenic right ventricular dysplasia 8 (ARVD8). Also called: Arrhythmogenic Right Ventricular Dysplasia/Cardiomyopathy 8; ARRHYTHMOGENIC RIGHT VENTRICULAR DYSPLASIA, FAMILIAL, 8; ARRHYTHMOGENIC RIGHT VENTRICULAR CARDIOMYOPATHY 8. Identifiers: MedGen C1843896, MONDO:0011831, OMIM 607450.

gnomAD v4.1: 1 of 1,614,194 alleles (0.000062%); highest among the groups gnomAD compares: African/African-American, 0.0013%; no homozygotes.

Submission:

Labcorp Genetics (formerly Invitae), Labcorp
Classification: Uncertain significance for Arrhythmogenic cardiomyopathy with wooly hair and keratoderma; Arrhythmogenic right ventricular dysplasia 8. Last evaluated: 2025-04-17. Review status: criteria provided, single submitter. Criteria: Invitae Variant Classification Sherloc (09022015). Collection method: clinical testing. Allele origin: germline.
Comment: This sequence change replaces arginine, which is basic and polar, with serine, which is neutral and polar, at codon 1656 of the DSP protein (p.Arg1656Ser). This variant is not present in population databases (gnomAD no frequency). This variant has not been reported in the literature in individuals affected with DSP-related conditions. An algorithm developed to predict the effect of missense changes on protein structure and function (PolyPhen-2) suggests that this variant is likely to be tolerated. In summary, the available evidence is currently insufficient to determine the role of this variant in disease. Therefore, it has been classified as a Variant of Uncertain Significance.

NM_004415.4(DSP):c.4968G>C (p.Arg1656Ser)

Gene: DSP (desmoplakin; plus strand). Cytogenetic location: 6p24.3.
Variant type: single nucleotide variant.
Coding change: c.4968G>C on transcript NM_004415.4 (MANE Select); coding-DNA position 4968, G replaced by C.
Protein change: p.Arg1656Ser; replaces arginine 1656 with serine.
Molecular consequence: missense variant. On other transcripts: intron variant (2).
Genome position (GRCh38, 1-based): chr6:7,581,158, G>C. VCF-style: chr6-7581158-G-C. GRCh37 (hg19) VCF-style: chr6-7581391-G-C.
Other names: c.4050+918G>C (NM_001319034.2); c.3582+1386G>C (NM_001008844.3); short protein forms R1656S.
Identifiers: ClinVar variation 4790662 (VCV004790662.1).
Genomic context (GRCh38, chr6:7,581,158, plus strand): 5'-GAGGGACGTGCTGGATGGCCACCTGAGGGAAAAGCAGAGGACCCAGGAAGAGCTGAGGAG[G>C]CTCTCTTCTGAGGTCGAGGCCCTGAGGCGGCAGTTACTCCAGGAACAGGAAAGTGTCAAA-3'
Protein context (NP_004406.2, residues 1646-1666): EKQRTQEELR[Arg1656Ser]LSSEVEALRR